The following is an entry in ClinVar:

ClinVar aggregate classification (germline): Likely benign (0 of 4 stars; one submission).

Conditions:
NTF4-related disorder. Also called: NTF4-related condition.

Allele frequency attached by ClinVar (database versions not stated): gnomAD 0.00008; TOPMed 0.00011; ExAC 0.00020; 1000 Genomes Project 30x 0.00031; 1000 Genomes Project 0.00040.
gnomAD v4.1: 141 of 1,614,170 alleles (0.0087%); highest among the groups gnomAD compares: South Asian, 0.083%; no homozygotes.

Submission:

PreventionGenetics, part of Exact Sciences
Classification: Likely benign for NTF4-related condition. Last evaluated: 2019-07-01. Review status: no assertion criteria provided. Collection method: clinical testing. Allele origin: germline.
Comment: This variant is classified as likely benign based on ACMG/AMP sequence variant interpretation guidelines (Richards et al. 2015 PMID: 25741868, with internal and published modifications).

NM_006179.5(NTF4):c.453G>A (p.Pro151=)

Gene: NTF4 (neurotrophin 4; minus strand). Cytogenetic location: 19q13.33.
Variant type: single nucleotide variant.
Coding change: c.453G>A on transcript NM_006179.5 (MANE Select); coding-DNA position 453, G replaced by A.
Protein change: p.Pro151=; no amino-acid change (proline 151 retained).
Molecular consequence: synonymous variant.
Genome position (GRCh38, 1-based): chr19:49,061,545, C>T on the plus strand (G>A on the coding strand, the complement: NTF4 is on the minus strand). VCF-style: chr19-49061545-C-T. GRCh37 (hg19) VCF-style: chr19-49564802-C-T.
Other names: c.453G>A, p.Pro151= (NM_001395489.1).
Identifiers: ClinVar variation 3043136 (VCV003043136.2), dbSNP rs374345134, ClinGen allele CA9565631.